The following is an entry in ClinVar:

NM_016507.4(CDK12):c.3835C>A (p.Pro1279Thr)

Gene: CDK12 (cyclin dependent kinase 12; plus strand). Cytogenetic location: 17q12.
Variant type: single nucleotide variant.
Coding change: c.3835C>A on transcript NM_016507.4 (MANE Select); coding-DNA position 3835, C replaced by A.
Protein change: p.Pro1279Thr; replaces proline 1279 with threonine.
Molecular consequence: missense variant.
Genome position (GRCh38, 1-based): chr17:39,530,678, C>A. VCF-style: chr17-39530678-C-A. GRCh37 (hg19) VCF-style: chr17-37686931-C-A.
Other names: c.3808C>A, p.Pro1270Thr (NM_015083.4); short protein forms P1270T, P1279T.
Identifiers: ClinVar variation 4868475 (VCV004868475.1).

ClinVar aggregate classification (germline): Uncertain significance (1 of 4 stars; one submission).

Submission:

Ambry Genetics
Classification: Uncertain significance. Last evaluated: 2026-04-08. Review status: criteria provided, single submitter. Criteria: Ambry Variant Classification Scheme 2023. Collection method: clinical testing. Allele origin: germline.
Comment: The p.P1279T variant (also known as c.3835C>A), located in coding exon 14 of the CDK12 gene, results from a C to A substitution at nucleotide position 3835. The proline at codon 1279 is replaced by threonine, an amino acid with highly similar properties. This amino acid position is conserved. In addition, this alteration is predicted to be tolerated by in silico analysis. Based on the available evidence, the clinical significance of this variant remains unclear.